The following is an entry in ClinVar:

NM_007078.3(LDB3):c.1870G>T (p.Ala624Ser)

Gene: LDB3 (LIM domain binding 3; plus strand). Cytogenetic location: 10q23.2.
Variant type: single nucleotide variant.
Coding change: c.1870G>T on transcript NM_007078.3 (MANE Select); coding-DNA position 1870, G replaced by T.
Protein change: p.Ala624Ser; replaces alanine 624 with serine.
Molecular consequence: missense variant.
Genome position (GRCh38, 1-based): chr10:86,718,739, G>T. VCF-style: chr10-86718739-G-T. GRCh37 (hg19) VCF-style: chr10-88478496-G-T.
Other names: c.1540G>T, p.Ala514Ser (NM_001080114.2); c.1885G>T, p.Ala629Ser (NM_001171610.2); c.1681G>T, p.Ala561Ser (NM_001368064.1, NM_001368065.1); c.1729G>T, p.Ala577Ser (NM_001368066.1); short protein forms A577S, A561S, A624S, A514S, A629S.
Identifiers: ClinVar variation 4097083 (VCV004097083.1).

ClinVar aggregate classification (germline): Uncertain significance (1 of 4 stars; one submission).

Conditions:
Cardiovascular phenotype. Identifiers: MedGen CN230736.

Submission:

Ambry Genetics
Classification: Uncertain significance for Cardiovascular phenotype. Last evaluated: 2025-08-20. Review status: criteria provided, single submitter. Criteria: Ambry Variant Classification Scheme 2023. Collection method: clinical testing. Allele origin: germline.
Comment: The p.A624S variant (also known as c.1870G>T), located in coding exon 11 of the LDB3 gene, results from a G to T substitution at nucleotide position 1870. The alanine at codon 624 is replaced by serine, an amino acid with similar properties. This amino acid position is conserved. In addition, this alteration is predicted to be deleterious by in silico analysis. Based on the available evidence, the clinical significance of this variant remains unclear.